The following is an entry in ClinVar:

NM_001035.3(RYR2):c.11398T>C (p.Cys3800Arg)

Gene: RYR2 (ryanodine receptor 2; plus strand). Cytogenetic location: 1q43.
Variant type: single nucleotide variant.
Coding change: c.11398T>C on transcript NM_001035.3 (MANE Select); coding-DNA position 11398, T replaced by C.
Protein change: p.Cys3800Arg; replaces cysteine 3800 with arginine.
Molecular consequence: missense variant.
Genome position (GRCh38, 1-based): chr1:237,759,848, T>C. VCF-style: chr1-237759848-T-C. GRCh37 (hg19) VCF-style: chr1-237923148-T-C.
Other names: short protein forms C3800R.
Identifiers: ClinVar variation 940323 (VCV000940323.12), dbSNP rs397516504, ClinGen allele CA345429000.
Genomic context (GRCh38, chr1:237,759,848, plus strand): 5'-TACCTCAAGGAGAAAAAGGATGTGGGCTTCTTTCAGAGCCTGGCCGGCCTGATGCAGTCA[T>C]GTAGGTAAGGACTCACTTCCTTCTTGGGGGTTCTACTCAGTGGTTGTATTTTTTCGAAGC-3'
Protein context (NP_001026.2, residues 3790-3810): FQSLAGLMQS[Cys3800Arg]SVLDLNAFER

ClinVar aggregate classification (germline): Likely pathogenic. Review status: criteria provided, multiple submitters, no conflicts (2 of 4 stars). 2 submissions from 2 submitters: Likely pathogenic (2). Last evaluated 2024-10-23.

Conditions:
Sudden unexplained death or survivors of a cardiac event.
Catecholaminergic polymorphic ventricular tachycardia 1. Also called: VENTRICULAR TACHYCARDIA, STRESS-INDUCED POLYMORPHIC 1; VENTRICULAR TACHYCARDIA, CATECHOLAMINERGIC POLYMORPHIC, 1, WITH OR WITHOUT ATRIAL DYSFUNCTION AND/OR DILATED CARDIOMYOPATHY; RYR2-Related Catecholaminergic Polymorphic Ventricular Tachycardia. Identifiers: Orphanet 3286, MedGen C1631597, MONDO:0011484, OMIM 604772.

Submissions (2):

North West Genomic Laboratory Hub, Manchester University NHS Foundation Trust
Classification: Likely pathogenic for Sudden unexplained death or survivors of a cardiac event. Last evaluated: 2024-10-23. Review status: criteria provided, single submitter. Criteria: ACGS Best Practice Guidelines for Variant Classification in Rare Disease 2024. Collection method: clinical testing. Allele origin: germline. Affected: yes.
Comment: PS4_Supp PP3_Supp PM2_Mod PM1_Mod

Labcorp Genetics (formerly Invitae), Labcorp
Classification: Likely pathogenic for Catecholaminergic polymorphic ventricular tachycardia 1. Last evaluated: 2024-06-17. Review status: criteria provided, single submitter. Criteria: Invitae Variant Classification Sherloc (09022015). Collection method: clinical testing. Allele origin: germline.
Comment: This sequence change replaces cysteine, which is neutral and slightly polar, with arginine, which is basic and polar, at codon 3800 of the RYR2 protein (p.Cys3800Arg). This variant is not present in population databases (gnomAD no frequency). This missense change has been observed in individual(s) with clinical features of catecholaminergic polymorphic ventricular tachycardia (Invitae). ClinVar contains an entry for this variant (Variation ID: 940323). Advanced modeling of protein sequence and biophysical properties (such as structural, functional, and spatial information, amino acid conservation, physicochemical variation, residue mobility, and thermodynamic stability) performed at Invitae indicates that this missense variant is expected to disrupt RYR2 protein function with a positive predictive value of 95%. In summary, the currently available evidence indicates that the variant is pathogenic, but additional data are needed to prove that conclusively. Therefore, this variant has been classified as Likely Pathogenic.